The following is an entry in ClinVar:

NM_018979.4(WNK1):c.3618G>T (p.Leu1206Phe)

Gene: WNK1 (WNK lysine deficient protein kinase 1; plus strand). Cytogenetic location: 12p13.33.
Variant type: single nucleotide variant.
Coding change: c.3618G>T on transcript NM_018979.4 (MANE Select); coding-DNA position 3618, G replaced by T.
Protein change: p.Leu1206Phe; replaces leucine 1206 with phenylalanine.
Molecular consequence: missense variant.
Genome position (GRCh38, 1-based): chr12:883,523, G>T. VCF-style: chr12-883523-G-T. GRCh37 (hg19) VCF-style: chr12-992689-G-T.
Other names: c.4398G>T, p.Leu1466Phe (NM_001184985.2); c.2877G>T, p.Leu959Phe (NM_014823.3); c.4374G>T, p.Leu1458Phe (NM_213655.5); short protein forms L959F, L1206F, L1466F, L1458F.
Identifiers: ClinVar variation 1420761 (VCV001420761.6), dbSNP rs2154083043, ClinGen allele CA383329297.

ClinVar aggregate classification (germline): Uncertain significance (1 of 4 stars; one submission).

Conditions:
Neuropathy, hereditary sensory and autonomic, type 2A (HSAN2A). Also called: ACROOSTEOLYSIS, GIACCAI TYPE; ACROOSTEOLYSIS, NEUROGENIC; MORVAN DISEASE; NEUROPATHY, CONGENITAL SENSORY; NEUROPATHY, HEREDITARY SENSORY RADICULAR, AUTOSOMAL RECESSIVE; NEUROPATHY, HEREDITARY SENSORY, TYPE IIA. Identifiers: Orphanet 970, MedGen C2752089, MONDO:0024309, OMIM 201300.
Pseudohypoaldosteronism type 2C (PHA2C). Also called: Pseudohypoaldosteronism Type IIC. Identifiers: Orphanet 757, Orphanet 88940, MedGen C1840391, MONDO:0013778, OMIM 614492.

Submission:

Labcorp Genetics (formerly Invitae), Labcorp
Classification: Uncertain significance for Neuropathy, hereditary sensory and autonomic, type 2A; Pseudohypoaldosteronism type 2C. Last evaluated: 2022-08-09. Review status: criteria provided, single submitter. Criteria: Invitae Variant Classification Sherloc (09022015). Collection method: clinical testing. Allele origin: germline.
Comment: In summary, the available evidence is currently insufficient to determine the role of this variant in disease. Therefore, it has been classified as a Variant of Uncertain Significance. Advanced modeling of protein sequence and biophysical properties (such as structural, functional, and spatial information, amino acid conservation, physicochemical variation, residue mobility, and thermodynamic stability) performed at Invitae indicates that this missense variant is not expected to disrupt WNK1 protein function. ClinVar contains an entry for this variant (Variation ID: 1420761). This variant has not been reported in the literature in individuals affected with WNK1-related conditions. This variant is not present in population databases (gnomAD no frequency). This sequence change replaces leucine, which is neutral and non-polar, with phenylalanine, which is neutral and non-polar, at codon 1458 of the WNK1 protein (p.Leu1458Phe).